The following is an entry in ClinVar:

NM_001130438.3(SPTAN1):c.904A>G (p.Arg302Gly)

Gene: SPTAN1 (spectrin alpha, non-erythrocytic 1; plus strand). Cytogenetic location: 9q34.11.
Variant type: single nucleotide variant.
Coding change: c.904A>G on transcript NM_001130438.3 (MANE Select); coding-DNA position 904, A replaced by G.
Protein change: p.Arg302Gly; replaces arginine 302 with glycine.
Molecular consequence: missense variant.
Genome position (GRCh38, 1-based): chr9:128,577,247, A>G. VCF-style: chr9-128577247-A-G. GRCh37 (hg19) VCF-style: chr9-131339526-A-G.
Other names: c.904A>G, p.Arg302Gly (NM_001195532.2, NM_001363759.2, NM_001363765.2 and 5 more transcripts); c.940A>G, p.Arg314Gly (NM_001375312.2, NM_001375318.1); short protein forms R302G, R314G.
Identifiers: ClinVar variation 3355608 (VCV003355608.2).
Genomic context (GRCh38, chr9:128,577,247, plus strand): 5'-GATTTTGGCCGAGACCTGGCAAGTGTTCAGGCTCTGCTTCGGAAGCACGAGGGTCTGGAG[A>G]GAGATCTTGCTGCTCTAGAAGACAAGGTGGGTTTTACAAGCAGCTGATTCTGTAAATAAG-3'
Protein context (NP_001123910.1, residues 292-312): ALLRKHEGLE[Arg302Gly]DLAALEDKVK

ClinVar aggregate classification (germline): Uncertain significance. Review status: criteria provided, single submitter (1 of 4 stars). 2 submissions from 2 submitters: Uncertain significance (1). 1 of the submissions does not count toward it. Last evaluated 2025-06-24.

Conditions:
SPTAN1-related disorder. Also called: SPTAN1-related disorders; SPTAN1-related condition.
Inborn genetic diseases. Identifiers: MedGen C0950123, MeSH D030342.

Submissions (2):

Ambry Genetics
Classification: Uncertain significance for Inborn genetic diseases. Last evaluated: 2025-06-24. Review status: criteria provided, single submitter. Criteria: Ambry Variant Classification Scheme 2023. Collection method: clinical testing. Allele origin: germline.

PreventionGenetics, part of Exact Sciences
Classification: Uncertain significance for SPTAN1-related condition. Last evaluated: 2024-03-14. Review status: no assertion criteria provided. Collection method: clinical testing. Allele origin: germline. Not counted in ClinVar's aggregate classification.
Comment: The SPTAN1 c.904A>G variant is predicted to result in the amino acid substitution p.Arg302Gly. To our knowledge, this variant has not been reported in the literature or in a large population database, indicating this variant is rare. At this time, the clinical significance of this variant is uncertain due to the absence of conclusive functional and genetic evidence.